The following is an entry in ClinVar:

ClinVar aggregate classification (germline): Uncertain significance. Review status: criteria provided, multiple submitters, no conflicts (2 of 4 stars). 4 submissions from 4 submitters: Uncertain significance (2). 2 of the submissions do not count toward it. Last evaluated 2025-11-05.

Conditions:
ZIC2-related disorder. Also called: ZIC2-related condition.
Holoprosencephaly 5 (HPE5). Identifiers: Orphanet 2162, MedGen C1864827, MONDO:0012322, OMIM 609637.

Submissions (4):

Labcorp Genetics (formerly Invitae), Labcorp
Classification: Uncertain significance for Holoprosencephaly 5. Last evaluated: 2025-11-05. Review status: criteria provided, single submitter. Criteria: Invitae Variant Classification Sherloc (09022015). Collection method: clinical testing. Allele origin: germline.
Comment: This variant, c.710_718del, results in the deletion of 3 amino acid(s) of the ZIC2 protein (p.His237_His239del), but otherwise preserves the integrity of the reading frame. The frequency data for this variant in the population databases is considered unreliable, as metrics indicate poor data quality at this position in the gnomAD database. This variant has been observed in individual(s) with holoprosencephaly (PMID: 32022405). Experimental studies and prediction algorithms are not available or were not evaluated, and the functional significance of this variant is currently unknown. In summary, the available evidence is currently insufficient to determine the role of this variant in disease. Therefore, it has been classified as a Variant of Uncertain Significance.

PreventionGenetics, part of Exact Sciences
Classification: Uncertain significance for ZIC2-related condition. Last evaluated: 2025-09-13. Review status: criteria provided, single submitter. Criteria: ACMG Guidelines, 2015. Collection method: clinical testing. Allele origin: germline.
Comment: The ZIC2 c.710_718del9 variant is predicted to result in an in-frame deletion (p.His237_His239del). This variant was reported in an individual with semilobar holoprosencephaly (Supplemental Table 1, Tekendo-Ngongang et al. 2020. PubMed ID: 32022405). This variant is reported in 0.044% of alleles in individuals of European (Non-Finnish) descent in gnomAD. At this time, the clinical significance of this variant is uncertain due to the absence of conclusive functional and genetic evidence.

Clinical Genetics DNA and cytogenetics Diagnostics Lab, Erasmus MC, Erasmus Medical Center
Classification: Uncertain significance. Review status: no assertion criteria provided. Collection method: clinical testing. Allele origin: germline. Affected: yes. Study: VKGL Data-share Consensus. Not counted in ClinVar's aggregate classification.

Diagnostic Laboratory, Department of Genetics, University Medical Center Groningen
Classification: Uncertain significance. Review status: no assertion criteria provided. Collection method: clinical testing. Allele origin: germline. Affected: yes. Study: VKGL Data-share Consensus. Not counted in ClinVar's aggregate classification.

Literature cited by the submitters: PubMed 32022405 (cited by Labcorp Genetics (formerly Invitae), Labcorp).

NM_007129.5(ZIC2):c.692ACC[6] (p.His237_His239del)

Gene: ZIC2 (Zic family zinc finger 2; plus strand). Cytogenetic location: 13q32.3.
Variant type: Microsatellite.
Coding change: c.692ACC[6] on transcript NM_007129.5 (MANE Select); six copies in a row of the 3-base unit ACC starting at c.692; the reference has nine copies in a row; three copies, 9 bases deleted.
Protein change: p.His237_His239del.
Molecular consequence: inframe deletion.
Genome position (GRCh38, 1-based): chr13:99,982,774-99,982,782, ACCACCACC deleted; deleting any 9 consecutive bases within chr13:99,982,754-99,982,782 gives the same sequence; the position shown is the placement nearest the transcript's 3' end. VCF-style (leftmost placement, unchanged base first): chr13-99982753-CCCACCACCA-C. GRCh37 (hg19) VCF-style: chr13-100635007-CCCACCACCA-C.
Other names: c.710_718del9 (NM_007129.3).
Identifiers: ClinVar variation 1002415 (VCV001002415.13), dbSNP rs398124241, ClinGen allele CA7032843.